The following is an entry in ClinVar:

NM_022089.4(ATP13A2):c.*49A>G

Gene: ATP13A2 (ATPase cation transporting 13A2; minus strand). Cytogenetic location: 1p36.13.
Variant type: single nucleotide variant.
Coding change: c.*49A>G on transcript NM_022089.4 (MANE Select); 49 bases downstream of the stop codon, A replaced by G.
Molecular consequence: 3 prime UTR variant. On other transcripts: missense variant (1).
Genome position (GRCh38, 1-based): chr1:16,986,172, T>C on the plus strand (A>G on the coding strand, the complement: ATP13A2 is on the minus strand). VCF-style: chr1-16986172-T-C. GRCh37 (hg19) VCF-style: chr1-17312667-T-C.
Other names: c.*49A>G (NM_001141973.3); c.3290A>G, p.His1097Arg (NM_001141974.3); short protein forms H1097R.
Identifiers: ClinVar variation 3027054 (VCV003027054.22), dbSNP rs573196719, ClinGen allele CA18624483.

ClinVar aggregate classification (germline): Uncertain significance (1 of 4 stars; one submission).

Allele frequency attached by ClinVar (database versions not stated): gnomAD exomes below 0.00001; gnomAD 0.00001; 1000 Genomes Project 30x 0.00016; 1000 Genomes Project 0.00020.
gnomAD v4.1: 9 of 1,611,690 alleles (0.00056%); highest among the groups gnomAD compares: East Asian, 0.011%; no homozygotes.

Submission:

CeGaT Center for Human Genetics Tuebingen
Classification: Uncertain significance. Last evaluated: 2024-01-01. Review status: criteria provided, single submitter. Criteria: CeGaT Center For Human Genetics Tuebingen Variant Classification Criteria Version 2. Collection method: clinical testing. Allele origin: germline. Affected: yes. Observed: 1 variant allele.
Comment: ATP13A2: PM2, PP3